The following is an entry in ClinVar:

NM_001267550.2(TTN):c.44284C>T (p.Arg14762Ter)

Gene: TTN (titin; minus strand). Cytogenetic location: 2q31.2.
Variant type: single nucleotide variant.
Coding change: c.44284C>T on transcript NM_001267550.2 (MANE Select); coding-DNA position 44284, C replaced by T.
Protein change: p.Arg14762Ter; replaces arginine 14762 with a stop codon.
Molecular consequence: nonsense.
Genome position (GRCh38, 1-based): chr2:178,629,441, G>A on the plus strand (C>T on the coding strand, the complement: TTN is on the minus strand). VCF-style: chr2-178629441-G-A. GRCh37 (hg19) VCF-style: chr2-179494168-G-A.
Other names: c.39361C>T, p.Arg13121Ter (NM_001256850.1); c.17089C>T, p.Arg5697Ter (NM_003319.4); c.36580C>T, p.Arg12194Ter (NM_133378.4); c.17464C>T, p.Arg5822Ter (NM_133432.3); c.17665C>T, p.Arg5889Ter (NM_133437.4); c.44284C>T (LRG_391t1, NM_001267550.1); short protein forms R14762*, R13121*, R5697*, R5822*, R5889*, R12194*.
Identifiers: ClinVar variation 223369 (VCV000223369.17), dbSNP rs770767998, ClinGen allele CA090661.

ClinVar aggregate classification (germline): Pathogenic/Likely pathogenic. Review status: criteria provided, multiple submitters, no conflicts (2 of 4 stars). 9 submissions from 9 submitters: Pathogenic (3); Likely pathogenic (5). 1 of the submissions does not count toward it. Last evaluated 2025-12-02.

Conditions:
Cardiovascular phenotype. Identifiers: MedGen CN230736.
TTN-related disorder. Also called: TTN-related disorders; TTN-related condition; TTN-related disease.
Autosomal recessive limb-girdle muscular dystrophy type 2J (LGMDR10). Also called: Limb-girdle muscular dystrophy, type 2J; MUSCULAR DYSTROPHY, LIMB-GIRDLE, AUTOSOMAL RECESSIVE 10. Identifiers: Orphanet 140922, MedGen C1837342, MONDO:0012127, OMIM 608807.
Dilated cardiomyopathy 1G (CMD1G). Identifiers: Orphanet 154, MedGen C1858763, MONDO:0011400, OMIM 604145.
Primary dilated cardiomyopathy (DCM). Also called: Dilated Cardiomyopathy. Identifiers: Orphanet 217604, MedGen C0007193, MeSH D002311, MONDO:0005021, HP:0001644. Inheritance: Various modes of inheritance.

gnomAD v4.1: 2 of 1,612,698 alleles (0.00012%); highest among the groups gnomAD compares: Non-Finnish European, 0.00017%; no homozygotes.

Submissions (9):

Labcorp Genetics (formerly Invitae), Labcorp
Classification: Likely pathogenic for Dilated cardiomyopathy 1G; Autosomal recessive limb-girdle muscular dystrophy type 2J. Last evaluated: 2025-12-02. Review status: criteria provided, single submitter. Criteria: Invitae Variant Classification Sherloc (09022015). Collection method: clinical testing. Allele origin: germline.
Comment: This sequence change creates a premature translational stop signal (p.Arg14762*) in the TTN gene. While this is not anticipated to result in nonsense mediated decay, it is expected to create a truncated TTN protein. This variant is not present in population databases (gnomAD no frequency). This variant has not been observed in the literature in individuals with autosomal recessive TTN-related conditions. This variant has been reported in individual(s) with dilated cardiomyopathy (PMID: 29961767, 31112426, 34461741, 36264615); however, the role of the variant in this condition is currently unclear. ClinVar contains an entry for this variant (Variation ID: 223369). This variant is located in the I band of TTN (PMID: 25589632). Truncating variants in this region have been reported in individuals affected with autosomal recessive centronuclear myopathy (PMID: 23975875, internal data). Truncating variants in this region have also been identified in individuals affected with autosomal dominant dilated cardiomyopathy and/or cardio-related conditions (PMID: 27869827, 32964742, internal data). In summary, the currently available evidence indicates that the variant is pathogenic, but additional data are needed to prove that conclusively. Therefore, this variant has been classified as Likely Pathogenic.

Ambry Genetics
Classification: Likely pathogenic for Cardiovascular phenotype. Last evaluated: 2025-06-30. Review status: criteria provided, single submitter. Criteria: Ambry Variant Classification Scheme 2023. Collection method: clinical testing. Allele origin: germline.
Comment: The c.17089C>T (p.R5697*) alteration, located in exon 68 (coding exon 67) of the TTN gene, consists of a C to T substitution at nucleotide position 17089. This changes the amino acid from an arginine (R) to a stop codon at amino acid position 5697. This variant is expected to result in loss of function by premature protein truncation or nonsense-mediated mRNA decay. This variant was not reported in population-based cohorts in the Genome Aggregation Database (gnomAD). This exon is located in the I-band region of the N2-B isoform of the titin protein and is constitutively expressed in TTN transcripts (percent spliced in or PSI 100%). While truncating variants in TTN are present in 1-3% of the general population, truncating variants in the A-band are the most common cause of dilated cardiomyopathy (Herman, 2012; Roberts, 2015). TTN truncating variants encoded in constitutive exons (PSI >90%) have been found to be significantly associated with DCM regardless of their position in titin (Schafer, 2017; Akhtar, 2020; Massier, 2025). Based on the available evidence, this alteration is classified as likely pathogenic.

GeneDx
Classification: Pathogenic. Last evaluated: 2025-04-23. Review status: criteria provided, single submitter. Criteria: GeneDx Variant Classification Process June 2021. Collection method: clinical testing. Allele origin: germline. Affected: yes.
Comment: Nonsense variant predicted to result in protein truncation or nonsense mediated decay in a gene for which loss of function is a known mechanism of disease; Not observed at significant frequency in large population cohorts (gnomAD); Located in a specific region of the I-band within TTN for which truncating variants are significantly associated with autosomal dominant cardiomyopathy and also with autosomal recessive skeletal myopathies (PMID: 27625338, 27869827, 32778822); This variant is associated with the following publications: (PMID: 25589632, 33874732, 29961767, 31112426, 35177841, 27625338, 27869827, 32778822, 36264615, 34461741)

Blueprint Genetics
Classification: Pathogenic for TTN-related disorders. Last evaluated: 2024-05-31. Review status: criteria provided, single submitter. Criteria: ACMG Guidelines, 2015. Collection method: clinical testing. Allele origin: germline. Affected: yes. Observed: 3 variant alleles.

Clinical Genetics Laboratory, Skane University Hospital Lund
Classification: Likely pathogenic. Last evaluated: 2024-01-30. Review status: criteria provided, single submitter. Criteria: ACMG Guidelines, 2015. Collection method: clinical testing. Allele origin: germline. Affected: yes.

Molecular Genetics, Royal Melbourne Hospital
Classification: Pathogenic for Primary dilated cardiomyopathy. Last evaluated: 2023-07-07. Review status: criteria provided, single submitter. Criteria: ACMG Guidelines, 2015. Collection method: clinical testing. Allele origin: germline. Inheritance: Autosomal dominant inheritance.
Comment: This sequence change in TTN is a nonsense variant predicted to cause a premature stop codon, p.(Arg14762*), in constitutively expressed exon 240 (percentage splice in, PSI, 100%) in the distal I-band. High PSI truncating variants in TTN have a significant association with dilated cardiomyopathy (PMID: 31216868). This variant is absent from the population database gnomAD v2.1 and v3.1. This variant has been reported in at least three probands with cardiomyopathy (PMID: 29961767, 33874732; ClinVar: SCV000189773.1). Based on the classification scheme RMH Modified ACMG/AMP Guidelines v1.6.1, this variant is classified as PATHOGENIC. Following criteria are met: PVS1, PM2_Supporting, PS4_Supporting

Victorian Clinical Genetics Services, Murdoch Childrens Research Institute
Classification: Likely pathogenic for Dilated cardiomyopathy 1G. Last evaluated: 2020-10-19. Review status: criteria provided, single submitter. Criteria: ACMG Guidelines, 2015. Collection method: clinical testing. Allele origin: germline.
Comment: Based on the classification scheme VCGS_Germline_v1.3.3, this variant is classified as likely pathogenic. Following criteria are met: 0102 - Loss of function is a known mechanism of disease in this gene. (I) 0104 - Dominant negative is likely a mechanism of disease for this gene since not all truncated transcripts in dilated cardiomyopathy (DCM) undergo nonsense mediated decay (PMID: 25589632). (I) 0108 - This gene is associated with both recessive and dominant disease (OMIM). (I) 0112 - The condition associated with this gene has incomplete penetrance. TTN NMD-predicted variants have been reported to have incomplete penetrance for DCM (PMIDs: 25589632, 28045975). (I) 0201 - Variant is predicted to cause nonsense-mediated decay (NMD) and loss of protein (premature termination codon is located at least 54 nucleotides upstream of the final exon-exon junction). (SP) 0251 - This variant is heterozygous. (I) 0301 - Variant is absent from gnomAD (both v2 and v3). (SP) 0600 - Variant is located in the annotated I-disk with an exon PSI score of 1 (PMID: 25589632). (I) 0703 - Other NMD-predicted variants comparable to the one identified in this case have moderate previous evidence for pathogenicity (ClinVar). (SP) 0808 - Previous reports of pathogenicity for this variant are conflicting. Additionally, this variant has one entry in ClinVar, classified as a variant of uncertain significance (GeneDx). (I) 0905 - No published segregation evidence has been identified for this variant. (I) 1007 - No published functional evidence has been identified for this variant. (I) 1208 - Inheritance information for this variant is not currently available in this individual. (I) Legend: (SP) - Supporting pathogenic, (I) - Information, (SB) - Supporting benign

Cardiovascular Biomedical Research Unit, Royal Brompton & Harefield NHS Foundation Trust
Classification: Likely pathogenic for Primary dilated cardiomyopathy. Last evaluated: 2014-10-08. Review status: criteria provided, single submitter. Criteria: Roberts et al. 2015. Collection method: research. Allele origin: germline. Inheritance: Autosomal dominant inheritance. Affected: yes. Observed: 1 variant allele. Study: Familial DCM.
Comment: In the seven cohorts assessed, TTNtv were found in 14% of ambulant DCM, 22% end-stage or familial DCM, and 2% controls. Heterozygous nonsense, frameshift and canonical splice-disrupting variants found in constitutive and other highly utilised exons are highly likely to be pathogenic when identified in individuals with phenotypically confirmed DCM. TTNtv found incidentally in healthy individuals (excluding familial assessment of DCM relatives) are thought to have low penetrance, particularly when identified in exons that are not constitutively expressed in the heart.

Cardiogenetics and Myogenetics Molecular and Cellular Functional Unit, Aphp Sorbonne University-Hopital Pitie Salpetriere
Classification: Likely pathogenic for Dilated cardiomyopathy 1G. Last evaluated: 2024-01-06. Review status: no assertion criteria provided. Collection method: clinical testing. Allele origin: germline. Affected: yes. Not counted in ClinVar's aggregate classification.

Literature cited by the submitters: PubMed 29961767 (cited by Labcorp Genetics (formerly Invitae), Labcorp and Molecular Genetics, Royal Melbourne Hospital); PubMed 31112426 (cited by Labcorp Genetics (formerly Invitae), Labcorp); PubMed 34461741 (cited by Labcorp Genetics (formerly Invitae), Labcorp); PubMed 36264615 (cited by Labcorp Genetics (formerly Invitae), Labcorp); PubMed 25589632 (cited by 3 submitters); PubMed 23975875 (cited by Labcorp Genetics (formerly Invitae), Labcorp); PubMed 27869827 (cited by Labcorp Genetics (formerly Invitae), Labcorp and Ambry Genetics); PubMed 32964742 (cited by Labcorp Genetics (formerly Invitae), Labcorp and Ambry Genetics); PubMed 22335739 (cited by Ambry Genetics); PubMed 39844436 (cited by Ambry Genetics); PubMed 31216868 (cited by Molecular Genetics, Royal Melbourne Hospital); PubMed 33874732 (cited by Molecular Genetics, Royal Melbourne Hospital); PubMed 28045975 (cited by Victorian Clinical Genetics Services, Murdoch Childrens Research Institute).